The following is an entry in ClinVar:

ClinVar aggregate classification (germline): Pathogenic/Likely pathogenic. Review status: criteria provided, multiple submitters, no conflicts (2 of 4 stars). 5 submissions from 5 submitters: Pathogenic (1); Likely pathogenic (4). Last evaluated 2025-05-02.

Conditions:
Mucopolysaccharidosis type 1. Also called: IDUA deficiency; MPS I; Mucopolysaccharidosis Type I. Identifiers: Orphanet 579, MedGen C0023786, MONDO:0001586.
Mucopolysaccharidosis, MPS-I-S. Also called: Scheie Syndrome; MUCOPOLYSACCHARIDOSIS TYPE IS; MPS V; MUCOPOLYSACCHARIDOSIS TYPE V. Identifiers: Orphanet 93474, MedGen C0026708, MONDO:0011760, OMIM 607016.
Hurler syndrome. Also called: Gargoylism, Hurler Syndrome; MUCOPOLYSACCHARIDOSIS TYPE IH; Severe MPS I (Hurler Syndrome). Identifiers: Orphanet 93473, MedGen C0086795, MONDO:0011758, OMIM 607014.
Mucopolysaccharidosis, MPS-I-H/S. Also called: Mucopolysaccharidosis type IH/S. Identifiers: Orphanet 93476, MedGen C0086431, MONDO:0011759, OMIM 607015.

Submissions (5):

Women's Health and Genetics/Laboratory Corporation of America, LabCorp
Classification: Likely pathogenic for Mucopolysaccharidosis type 1. Last evaluated: 2025-05-02. Review status: criteria provided, single submitter. Criteria: LabCorp Variant Classification Summary - May 2015. Collection method: clinical testing. Allele origin: germline.
Comment: Variant summary: IDUA c.398_403delTGGGCA (p.Met133_Gly134del) results in an in-frame deletion that is predicted to remove two amino acids from the encoded protein. The variant allele was found at a frequency of 1.2e-05 in 250288 control chromosomes. c.398_403delTGGGCA has been observed in multiple individuals affected with Mucopolysaccharidosis Type 1, including as a compound heterozygous or unreported genotype (e.g. Bertola_2011, Donsante_2024, Gardin_2023, Ghosh_2017, Ghosh_2017, Venturi_2002). These data indicate that the variant is likely to be associated with disease. To our knowledge, no experimental evidence demonstrating an impact on protein function has been reported. The following publications have been ascertained in the context of this evaluation (PMID: 21394825, 38456506, 36494569, 28752568, 12203999). ClinVar contains an entry for this variant (Variation ID: 863830). Based on the evidence outlined above, the variant was classified as likely pathogenic.

Natera, Inc.
Classification: Likely pathogenic for Mucopolysaccharidosis type I. Last evaluated: 2024-03-25. Review status: criteria provided, single submitter. Criteria: Natera Variant Classification Schema (03/2026). Collection method: clinical testing. Allele origin: germline.
Comment: The c.398_403delTGGGCA variant in IDUA is an in-frame deletion. This variant is rare in the general population with a frequency below the threshold expected for the associated phenotype(s). This variant has been observed in one or more individuals affected with the associated recessive disease, as either homozygous or compound heterozygous with a second variant (PMID: 21394825). This variant results in a change to the protein length while preserving reading frame, which may disrupt normal protein structure or function. Given the available evidence, this variant is classified as Likely Pathogenic.

Labcorp Genetics (formerly Invitae), Labcorp
Classification: Pathogenic for Mucopolysaccharidosis type 1. Last evaluated: 2023-10-22. Review status: criteria provided, single submitter. Criteria: Invitae Variant Classification Sherloc (09022015). Collection method: clinical testing. Allele origin: germline.
Comment: This variant, c.398_403del, results in the deletion of 2 amino acid(s) of the IDUA protein (p.Met133_Gly134del), but otherwise preserves the integrity of the reading frame. This variant is present in population databases (rs774605197, gnomAD 0.006%). This variant has been observed in individual(s) with mucopolysaccharidosis type I (PMID: 12203999, 21394825; Invitae). In at least one individual the data is consistent with being in trans (on the opposite chromosome) from a pathogenic variant. This variant is also known as 486-491del6. ClinVar contains an entry for this variant (Variation ID: 863830). Experimental studies and prediction algorithms are not available or were not evaluated, and the functional significance of this variant is currently unknown. For these reasons, this variant has been classified as Pathogenic.

Fulgent Genetics
Classification: Likely pathogenic for Hurler syndrome; Mucopolysaccharidosis, MPS-I-H/S; Mucopolysaccharidosis, MPS-I-S. Last evaluated: 2021-12-03. Review status: criteria provided, single submitter. Criteria: ACMG Guidelines, 2015. Collection method: clinical testing. Allele origin: unknown.

NxGen MDx
Classification: Likely pathogenic for Hurler syndrome. Last evaluated: 2019-12-18. Review status: criteria provided, single submitter. Criteria: ACMG Guidelines, 2015. Collection method: clinical testing. Allele origin: unknown.
Comment: This in-frame deletion (c.398_403del) in exon 4 of IDUA results in the loss of two amino acids (p.Met133_Gly134del) (PM4). This variant has a low allele frequency in GnomAD exomes (PM2) and was first reported in Venturi et al PMID 12203999 with an unknown phenotype and later in Bertola et al. PMID 21394825 and Ghosh et al. PMID: 28752568 associated with mucopolysaccharidosis type I. This variant may result in a start loss in a non-canonical transcript (NM_001363576.1), though the clinical relevance of this transcript is unknown. We interpret c.398_403del to be likely pathogenic.

Literature cited by the submitters: PubMed 21394825 (cited by 4 submitters); PubMed 28752568 (cited by Women's Health and Genetics/Laboratory Corporation of America, LabCorp and NxGen MDx); PubMed 12203999 (cited by 3 submitters); PubMed 38456506 (cited by Women's Health and Genetics/Laboratory Corporation of America, LabCorp); PubMed 36494569 (cited by Women's Health and Genetics/Laboratory Corporation of America, LabCorp).

NM_000203.5(IDUA):c.398_403del (p.Met133_Gly134del)

Gene: IDUA (alpha-L-iduronidase; plus strand). Cytogenetic location: 4p16.3.
Variant type: Deletion.
Coding change: c.398_403del on transcript NM_000203.5 (MANE Select); coding-DNA positions 398 to 403, 6 bases deleted (TGGGCA; older notation c.398_403delTGGGCA).
Protein change: p.Met133_Gly134del.
Molecular consequence: inframe deletion. On other transcripts: initiator codon variant (1), non-coding transcript variant (1).
Genome position (GRCh38, 1-based): chr4:1,000,894-1,000,899, TGGGCA deleted; deleting any 6 consecutive bases within chr4:1,000,893-1,000,899 gives the same sequence; the c. name uses the placement nearest the transcript's 3' end. VCF-style (leftmost placement, unchanged base first): chr4-1000892-GATGGGC-G. GRCh37 (hg19) VCF-style: chr4-994680-GATGGGC-G.
Other names: c.398_403delTGGGCA (NM_000203.5, NM_000203.4); c.2_7del, p.Met1_Gly2del (NM_001363576.1).
Identifiers: ClinVar variation 863830 (VCV000863830.18), dbSNP rs774605197, ClinGen allele CA2801912.
Genomic context (GRCh38, chr4:1,000,892, plus strand): 5'-GCATGGGTGTGGTGTGTGGTGGGCGGTGGGGCAGCCCTCCTGTGTTCCAGGGTTTGAGCT[GATGGGC>G]AGCGCCTCGGGCCACTTCACTGACTTTGAGGACAAGCAGCAGGTGTTTGAGTGGAAGGAC-3'